The following is an entry in ClinVar:

NM_001458.5(FLNC):c.3552C>T (p.Gly1184=)

Gene: FLNC (filamin C; plus strand). Cytogenetic location: 7q32.1.
Variant type: single nucleotide variant.
Coding change: c.3552C>T on transcript NM_001458.5 (MANE Select); coding-DNA position 3552, C replaced by T.
Protein change: p.Gly1184=; no amino-acid change (glycine 1184 retained).
Molecular consequence: synonymous variant.
Genome position (GRCh38, 1-based): chr7:128,845,017, C>T. VCF-style: chr7-128845017-C-T. GRCh37 (hg19) VCF-style: chr7-128485071-C-T.
Other names: c.3552C>T, p.Gly1184= (NM_001127487.2).
Identifiers: ClinVar variation 2196422 (VCV002196422.7), dbSNP rs373310802, ClinGen allele CA166178715.

ClinVar aggregate classification (germline): Conflicting classifications of pathogenicity. Review status: criteria provided, conflicting classifications (1 of 4 stars). 3 submissions from 3 submitters: Uncertain significance (1); Likely benign (2). Last evaluated 2025-11-26.

Conditions:
Cardiovascular phenotype. Identifiers: MedGen CN230736.
Distal myopathy with posterior leg and anterior hand involvement. Also called: WILLIAMS DISTAL MYOPATHY. Identifiers: Orphanet 63273, MedGen C3279722, MONDO:0013550, OMIM 614065.
Myofibrillar myopathy 5. Also called: Filaminopathy (type); FILAMINOPATHY, AUTOSOMAL DOMINANT. Identifiers: Orphanet 171445, MedGen C1836050, MONDO:0012289, OMIM 609524.
Hypertrophic cardiomyopathy 26. Also called: Cardiomyopathy, familial hypertrophic, 26. Identifiers: Orphanet 75249, MedGen C4310749, MONDO:0014883, OMIM 617047.
FLNC-related disorder. Also called: FLNC-related disorders; FLNC-related condition.

Allele frequency attached by ClinVar (database versions not stated): ESP Exome Variant Server 0.00008.
gnomAD v4.1: 23 of 1,613,618 alleles (0.0014%); highest among the groups gnomAD compares: Non-Finnish European, 0.0019%; no homozygotes.

Submissions (3):

Labcorp Genetics (formerly Invitae), Labcorp
Classification: Likely benign for Distal myopathy with posterior leg and anterior hand involvement; Myofibrillar myopathy 5; Hypertrophic cardiomyopathy 26. Last evaluated: 2025-11-26. Review status: criteria provided, single submitter. Criteria: Invitae Variant Classification Sherloc (09022015). Collection method: clinical testing. Allele origin: germline.

PreventionGenetics, part of Exact Sciences
Classification: Likely benign for FLNC-related condition. Last evaluated: 2025-01-21. Review status: criteria provided, single submitter. Criteria: ACMG Guidelines, 2015. Collection method: clinical testing. Allele origin: germline.
Comment: This variant is classified as likely benign based on ACMG/AMP sequence variant interpretation guidelines (Richards et al. 2015 PMID: 25741868, with internal and published modifications).

Ambry Genetics
Classification: Uncertain significance for Cardiovascular phenotype. Last evaluated: 2025-01-08. Review status: criteria provided, single submitter. Criteria: Ambry Variant Classification Scheme 2023. Collection method: clinical testing. Allele origin: germline.
Comment: The c.3552C>T variant (also known as p.G1184G), located in coding exon 21 of the FLNC gene, results from a C to T substitution at nucleotide position 3552. This nucleotide substitution does not change the glycine at codon 1184. This nucleotide position is poorly conserved in available vertebrate species. In silico splice site analysis for this alteration is inconclusive. Based on the available evidence, the clinical significance of this variant remains unclear.